The following is an entry in ClinVar:

NM_001288705.3(CSF1R):c.1404_1421dup (p.Val474_Glu475insGlnSerLeuLeuThrVal)

Gene: CSF1R (colony stimulating factor 1 receptor; minus strand). Cytogenetic location: 5q32.
Variant type: Duplication.
Coding change: c.1404_1421dup on transcript NM_001288705.3 (MANE Select); coding-DNA positions 1404 to 1421, 18 bases duplicated (GCAGAGCCTGCTGACTGT).
Protein change: p.Val474_Glu475insGlnSerLeuLeuThrVal.
Molecular consequence: inframe insertion. On other transcripts: non-coding transcript variant (2).
Genome position (GRCh38, 1-based): chr5:150,069,962-150,069,979, ACAGTCAGCAGGCTCTGC duplicated on the plus strand (GCAGAGCCTGCTGACTGT on the coding strand, the reverse complement: CSF1R is on the minus strand); duplicating any 18 consecutive bases within chr5:150,069,962-150,069,981 gives the same sequence; the c. name uses the placement nearest the transcript's 3' end. VCF-style (leftmost placement, unchanged base first): chr5-150069961-A-AACAGTCAGCAGGCTCTGC. GRCh37 (hg19) VCF-style: chr5-149449524-A-AACAGTCAGCAGGCTCTGC.
Other names: c.1404_1421dup, p.Val474_Glu475insGlnSerLeuLeuThrVal (NM_001349736.2, NM_001375320.1, NM_005211.4); c.960_977dup, p.Val326_Glu327insGlnSerLeuLeuThrVal (NM_001375321.1).
Identifiers: ClinVar variation 2419442 (VCV002419442.5), dbSNP rs769623155, ClinGen allele CA3506851.

ClinVar aggregate classification (germline): Uncertain significance (1 of 4 stars; one submission).

Submission:

Labcorp Genetics (formerly Invitae), Labcorp
Classification: Uncertain significance. Last evaluated: 2022-09-16. Review status: criteria provided, single submitter. Criteria: Invitae Variant Classification Sherloc (09022015). Collection method: clinical testing. Allele origin: germline.
Comment: This variant, c.1404_1421dup, results in the insertion of 6 amino acid(s) of the CSF1R protein (p.Gln469_Val474dup), but otherwise preserves the integrity of the reading frame. In summary, the available evidence is currently insufficient to determine the role of this variant in disease. Therefore, it has been classified as a Variant of Uncertain Significance. Experimental studies and prediction algorithms are not available or were not evaluated, and the functional significance of this variant is currently unknown. This variant has not been reported in the literature in individuals affected with CSF1R-related conditions. This variant is present in population databases (rs769623155, gnomAD 0.002%).